The following is an entry in ClinVar:

ClinVar aggregate classification (germline): Uncertain significance (1 of 4 stars; one submission).

Conditions:
Atypical hemolytic-uremic syndrome. Identifiers: Orphanet 2134, MedGen C2931788, MONDO:0016244.
Basal laminar drusen. Also called: DRUSEN OF BRUCH MEMBRANE; DRUSEN, CUTICULAR; DRUSEN, EARLY ADULT-ONSET, GROUPED. Identifiers: Orphanet 75376, MedGen C0730295, MONDO:0007472, OMIM 126700.
Factor H deficiency (CFHD). Also called: COMPLEMENT FACTOR H DEFICIENCY; CFH DEFICIENCY. Identifiers: Orphanet 200421, MedGen C0398777, MONDO:0012350, OMIM 609814.
Age related macular degeneration 4. Identifiers: MedGen C1853147, MONDO:0012540, OMIM 610698.

Submission:

Genomenon, Inc
Classification: Uncertain significance for Basal laminar drusen; Age related macular degeneration 4; Atypical hemolytic-uremic syndrome; Factor H deficiency. Last evaluated: 2025-10-02. Review status: criteria provided, single submitter. Criteria: Genomenon Sequence Variant Interpretation Standards - Updated. Collection method: curation. Allele origin: germline. Affected: no.
Comment: CFH p.Gly783= (c.2349A>T) is a synonymous variant that retains Glycine at residue 783. This variant has been reported in the published literature (PMID:36211394). It is absent or not present at a significant frequency in gnomAD. In conclusion, we classify CFH p.Gly783= (c.2349A>T) as a variant of uncertain significance.

Literature cited by the submitters: PubMed 36211394.

NM_000186.4(CFH):c.2349A>T (p.Gly783=)

Gene: CFH (complement factor H; plus strand). Cytogenetic location: 1q31.3.
Variant type: single nucleotide variant.
Coding change: c.2349A>T on transcript NM_000186.4 (MANE Select); coding-DNA position 2349, A replaced by T.
Protein change: p.Gly783=; no amino-acid change (glycine 783 retained).
Molecular consequence: synonymous variant.
Genome position (GRCh38, 1-based): chr1:196,728,458, A>T. VCF-style: chr1-196728458-A-T. GRCh37 (hg19) VCF-style: chr1-196697588-A-T.
Identifiers: ClinVar variation 4291472 (VCV004291472.1).